The following is an entry in ClinVar:

NM_017739.4(POMGNT1):c.476C>A (p.Ala159Asp)

Genes: POMGNT1 (protein O-linked mannose N-acetylglucosaminyltransferase 1 (beta 1,2-); minus strand), TSPAN1 (tetraspanin 1; plus strand). Cytogenetic location: 1p34.1.
Variant type: single nucleotide variant.
Coding change: c.476C>A on transcript NM_017739.4 (MANE Select); coding-DNA position 476, C replaced by A.
Protein change: p.Ala159Asp; replaces alanine 159 with aspartic acid.
Molecular consequence: missense variant.
Genome position (GRCh38, 1-based): chr1:46,195,869, G>T on the plus strand (C>A on the coding strand, the complement: POMGNT1 is on the minus strand). VCF-style: chr1-46195869-G-T. GRCh37 (hg19) VCF-style: chr1-46661541-G-T.
Other names: c.476C>A, p.Ala159Asp (NM_001243766.2, NM_001410783.1); c.410C>A, p.Ala137Asp (NM_001290129.3); c.47C>A, p.Ala16Asp (NM_001290130.2); short protein forms A137D, A159D, A16D.
Identifiers: ClinVar variation 1478662 (VCV001478662.6), dbSNP rs2148211902, ClinGen allele CA340188432.

ClinVar aggregate classification (germline): Uncertain significance (1 of 4 stars; one submission).

Conditions:
Autosomal recessive limb-girdle muscular dystrophy type 2O. Also called: Limb-Girdle Muscular Dystrophy Type 3C; MUSCULAR DYSTROPHY-DYSTROGLYCANOPATHY (LIMB-GIRDLE), TYPE C, 3; MUSCULAR DYSTROPHY-DYSTROGLYCANOPATHY, LIMB-GIRDLE, POMGNT1-RELATED. Identifiers: Orphanet 206564, MedGen C3150417, MONDO:0013161, OMIM 613157.
Muscular dystrophy-dystroglycanopathy (congenital with impaired intellectual development), type B, 3. Also called: Muscular dystrophy-dystroglycanopathy (congenital with intellectual disability), type B3; MUSCULAR DYSTROPHY, CONGENITAL, POMGNT1-RELATED. Identifiers: MedGen C3150412, MONDO:0013155, OMIM 613151.

Submission:

Labcorp Genetics (formerly Invitae), Labcorp
Classification: Uncertain significance for Autosomal recessive limb-girdle muscular dystrophy type 2O; Muscular dystrophy-dystroglycanopathy (congenital with impaired intellectual development), type B, 3. Last evaluated: 2021-11-18. Review status: criteria provided, single submitter. Criteria: Invitae Variant Classification Sherloc (09022015). Collection method: clinical testing. Allele origin: germline.
Comment: This variant has not been reported in the literature in individuals affected with POMGNT1-related conditions. This variant is not present in population databases (gnomAD no frequency). This sequence change replaces alanine, which is neutral and non-polar, with aspartic acid, which is acidic and polar, at codon 159 of the POMGNT1 protein (p.Ala159Asp). In summary, the available evidence is currently insufficient to determine the role of this variant in disease. Therefore, it has been classified as a Variant of Uncertain Significance. Advanced modeling of protein sequence and biophysical properties (such as structural, functional, and spatial information, amino acid conservation, physicochemical variation, residue mobility, and thermodynamic stability) performed at Invitae indicates that this missense variant is not expected to disrupt POMGNT1 protein function.